The following is an entry in ClinVar:

NM_001267550.2(TTN):c.73939C>T (p.Arg24647Ter)

Genes: TTN (titin; minus strand), TTN-AS1 (TTN antisense RNA 1; plus strand). Cytogenetic location: 2q31.2.
Variant type: single nucleotide variant.
Coding change: c.73939C>T on transcript NM_001267550.2 (MANE Select); coding-DNA position 73939, C replaced by T.
Protein change: p.Arg24647Ter; replaces arginine 24647 with a stop codon.
Molecular consequence: nonsense.
Genome position (GRCh38, 1-based): chr2:178,572,193, G>A on the plus strand (C>T on the coding strand, the complement: TTN is on the minus strand). VCF-style: chr2-178572193-G-A. GRCh37 (hg19) VCF-style: chr2-179436920-G-A.
Other names: c.66235C>T, p.Arg22079Ter (NM_133378.4); c.47119C>T, p.Arg15707Ter (NM_133432.3); c.47320C>T, p.Arg15774Ter (NM_133437.4); c.69016C>T, p.Arg23006Ter (NM_001256850.1); c.46744C>T, p.Arg15582Ter (NM_003319.4); c.73939C>T (NM_001267550.1); short protein forms R15582*, R15707*, R15774*, R22079*, R23006*, R24647*.
Identifiers: ClinVar variation 1329193 (VCV001329193.18), dbSNP rs2154169928, ClinGen allele CA349636306.

ClinVar aggregate classification (germline): Pathogenic/Likely pathogenic. Review status: criteria provided, multiple submitters, no conflicts (2 of 4 stars). 6 submissions from 6 submitters: Pathogenic (1); Likely pathogenic (5). Last evaluated 2026-08-05.

Conditions:
Cardiomyopathy (CMYO). Also called: Cardiomyopathies. Identifiers: Orphanet 167848, MedGen C0878544, MONDO:0004994, HP:0001638. Inheritance: Various modes of inheritance.
Cardiovascular phenotype. Identifiers: MedGen CN230736.
Dilated cardiomyopathy 1G (CMD1G). Identifiers: Orphanet 154, MedGen C1858763, MONDO:0011400, OMIM 604145.
Autosomal recessive limb-girdle muscular dystrophy type 2J (LGMDR10). Also called: Limb-girdle muscular dystrophy, type 2J; MUSCULAR DYSTROPHY, LIMB-GIRDLE, AUTOSOMAL RECESSIVE 10. Identifiers: Orphanet 140922, MedGen C1837342, MONDO:0012127, OMIM 608807.
Early-onset myopathy with fatal cardiomyopathy (CMYO5). Also called: Salih Myopathy; CONGENITAL MYOPATHY 5 WITH CARDIOMYOPATHY. Identifiers: Orphanet 289377, MedGen C2673677, MONDO:0012714, OMIM 611705. Disease mechanism: loss of function.
Tibial muscular dystrophy (TMD). Also called: Tibial muscular dystrophy, tardive; UDD MYOPATHY; Udd Distal Myopathy – Tibial Muscular Dystrophy. Identifiers: Orphanet 609, MedGen C1838244, MONDO:0010870, OMIM 600334.
Myopathy, myofibrillar, 9, with early respiratory failure (MFM9). Also called: MYOPATHY, PROXIMAL, WITH EARLY RESPIRATORY MUSCLE INVOLVEMENT; Hereditary myopathy with early respiratory failure; Myopathy, distal, with early respiratory failure, autosomal dominant; EDSTROM MYOPATHY. Identifiers: Orphanet 178464, Orphanet 34521, MedGen C1863599, MONDO:0011362, OMIM 603689.
Hypertrophic cardiomyopathy 9. Also called: Familial hypertrophic cardiomyopathy 9. Identifiers: MedGen C1861065, MONDO:0013412, OMIM 613765.

gnomAD v4.1: 5 of 1,613,334 alleles (0.00031%); highest among the groups gnomAD compares: Non-Finnish European, 0.00042%; no homozygotes.

Submissions (6):

Ambry Genetics
Classification: Likely pathogenic for Cardiovascular phenotype. Last evaluated: 2026-08-05. Review status: criteria provided, single submitter. Criteria: Ambry Variant Classification Scheme 2023. Collection method: clinical testing. Allele origin: germline.
Comment: The c.46744C>T (p.R15582*) alteration, located in exon 154 (coding exon 153) of the TTN gene, consists of a C to T substitution at nucleotide position 46744. This changes the amino acid from a arginine (R) to a stop codon at amino acid position 15582. This variant is expected to result in loss of function by premature protein truncation or nonsense-mediated mRNA decay. This variant was not reported in population-based cohorts in the Genome Aggregation Database (gnomAD). This exon is located in the A-band region of the N2-B isoform of the titin protein and is constitutively expressed in TTN transcripts (percent spliced in or PSI 100%). While truncating variants in TTN are present in 1-3% of the general population, truncating variants in the A-band are the most common cause of dilated cardiomyopathy (Herman, 2012; Roberts, 2015). TTN truncating variants encoded in constitutive exons (PSI >90%) have been found to be significantly associated with DCM regardless of their position in titin (Schafer, 2017; Akhtar, 2020; Massier, 2025). Based on the available evidence, this alteration is classified as likely pathogenic.

Labcorp Genetics (formerly Invitae), Labcorp
Classification: Likely pathogenic for Dilated cardiomyopathy 1G; Autosomal recessive limb-girdle muscular dystrophy type 2J. Last evaluated: 2025-11-13. Review status: criteria provided, single submitter. Criteria: Invitae Variant Classification Sherloc (09022015). Collection method: clinical testing. Allele origin: germline.
Comment: This sequence change creates a premature translational stop signal (p.Arg24647*) in the TTN gene. While this is not anticipated to result in nonsense mediated decay, it is expected to create a truncated TTN protein. This variant is not present in population databases (gnomAD no frequency). This variant has not been reported in the literature in individuals affected with TTN-related conditions. ClinVar contains an entry for this variant (Variation ID: 1329193). This variant is located in the A band of TTN (PMID: 25589632). Truncating variants in this region are significantly overrepresented in patients affected with dilated cardiomyopathy (PMID: 25589632). Truncating variants in this region have also been reported in individuals affected with autosomal recessive centronuclear myopathy (PMID: 23975875). In summary, the currently available evidence indicates that the variant is pathogenic, but additional data are needed to prove that conclusively. Therefore, this variant has been classified as Likely Pathogenic.

GeneDx
Classification: Likely pathogenic. Last evaluated: 2025-10-01. Review status: criteria provided, single submitter. Criteria: GeneDx Variant Classification Process June 2021. Collection method: clinical testing. Allele origin: germline.
Comment: Nonsense variant predicted to result in protein truncation or nonsense mediated decay in a gene for which loss of function is a known mechanism of disease; Located in the A-band, a region of TTN for which truncating variants are significantly associated with autosomal dominant cardiomyopathy and also with autosomal recessive skeletal myopathies (PMID: 22335739, 32778822); Not observed at significant frequency in large population cohorts (gnomAD); Has not been previously published as pathogenic or benign in association with a titinopathy to our knowledge; This variant is associated with the following publications: (PMID: 31691645, 22335739, 32778822, 35177841, 38862964, 39096151, 23975875, 25589632)

Molecular Diagnostic Laboratory for Inherited Cardiovascular Disease, Montreal Heart Institute
Classification: Pathogenic for Cardiovascular phenotype. Last evaluated: 2025-05-29. Review status: criteria provided, single submitter. Criteria: ACMG Guidelines, 2015. Collection method: clinical testing. Allele origin: germline. Affected: yes.
Comment: PVS1, PM2, PS4_supp

CHEO Genetics Diagnostic Laboratory, Children's Hospital of Eastern Ontario
Classification: Likely pathogenic for Cardiomyopathy. Last evaluated: 2019-08-08. Review status: criteria provided, single submitter. Criteria: ACMG Guidelines, 2015. Collection method: clinical testing. Allele origin: germline.

Juno Genomics, Hangzhou Juno Genomics, Inc
Classification: Likely pathogenic for Tibial muscular dystrophy; Early-onset myopathy with fatal cardiomyopathy; Dilated cardiomyopathy 1G; Hypertrophic cardiomyopathy 9; Autosomal recessive limb-girdle muscular dystrophy type 2J; Myopathy, myofibrillar, 9, with early respiratory failure. Review status: criteria provided, single submitter. Criteria: ACMG Guidelines, 2015. Collection method: clinical testing. Allele origin: germline.
Comment: Absent from controls (or at extremely low frequency if recessive) in Genome Aggregation Database.;Null variant in a gene where loss of function (LOF) is a known mechanism of disease.

Literature cited by the submitters: PubMed 22335739 (cited by Ambry Genetics); PubMed 25589632 (cited by Ambry Genetics and Labcorp Genetics (formerly Invitae), Labcorp); PubMed 27869827 (cited by Ambry Genetics); PubMed 32964742 (cited by Ambry Genetics); PubMed 39844436 (cited by Ambry Genetics); PubMed 23975875 (cited by Labcorp Genetics (formerly Invitae), Labcorp).